The following is an entry in ClinVar:

NM_001384140.1(PCDH15):c.2714T>G (p.Met905Arg)

Gene: PCDH15 (protocadherin related 15; minus strand). Cytogenetic location: 10q21.1.
Variant type: single nucleotide variant.
Coding change: c.2714T>G on transcript NM_001384140.1 (MANE Select); coding-DNA position 2714, T replaced by G.
Protein change: p.Met905Arg; replaces methionine 905 with arginine.
Molecular consequence: missense variant.
Genome position (GRCh38, 1-based): chr10:54,020,229, A>C on the plus strand (T>G on the coding strand, the complement: PCDH15 is on the minus strand). VCF-style: chr10-54020229-A-C. GRCh37 (hg19) VCF-style: chr10-55779989-A-C.
Other names: c.2729T>G, p.Met910Arg (NM_001142763.2, NM_001142771.2); c.2714T>G, p.Met905Arg (NM_001142764.2, NM_001142766.2, NM_001142770.3 and 5 more transcripts); c.2501T>G, p.Met834Arg (NM_001142765.2); c.2603T>G, p.Met868Arg (NM_001142767.2); c.2648T>G, p.Met883Arg (NM_001142768.2, NM_001142773.2, NM_001354404.2); c.2750T>G, p.Met917Arg (NM_001142769.4); c.2735T>G, p.Met912Arg (NM_001354411.2); short protein forms M834R, M868R, M883R, M905R, M910R, M912R, M917R.
Identifiers: ClinVar variation 1716770 (VCV001716770.3), dbSNP rs2539166018, ClinGen allele CA376522082.

ClinVar aggregate classification (germline): Uncertain significance (1 of 4 stars; one submission).

Submission:

Labcorp Genetics (formerly Invitae), Labcorp
Classification: Uncertain significance. Last evaluated: 2022-08-19. Review status: criteria provided, single submitter. Criteria: Invitae Variant Classification Sherloc (09022015). Collection method: clinical testing. Allele origin: germline.
Comment: This sequence change replaces methionine, which is neutral and non-polar, with arginine, which is basic and polar, at codon 905 of the PCDH15 protein (p.Met905Arg). This variant is not present in population databases (gnomAD no frequency). This variant has not been reported in the literature in individuals affected with PCDH15-related conditions. Algorithms developed to predict the effect of missense changes on protein structure and function are either unavailable or do not agree on the potential impact of this missense change (SIFT: "Tolerated"; PolyPhen-2: "Probably Damaging"; Align-GVGD: "Class C0"). In summary, the available evidence is currently insufficient to determine the role of this variant in disease. Therefore, it has been classified as a Variant of Uncertain Significance.